The following is an entry in ClinVar:

ClinVar aggregate classification (germline): Likely benign (0 of 4 stars; one submission).

Conditions:
SETBP1-related disorder. Also called: SETBP1-related condition; SETBP1-related disorders.

Allele frequency attached by ClinVar (database versions not stated): gnomAD exomes below 0.00001; TOPMed below 0.00001.
gnomAD v4.1: 1 of 1,614,098 alleles (0.000062%); highest among the groups gnomAD compares: East Asian, 0.0022%; no homozygotes.

Submission:

PreventionGenetics, part of Exact Sciences
Classification: Likely benign for SETBP1-related condition. Last evaluated: 2020-10-21. Review status: no assertion criteria provided. Collection method: clinical testing. Allele origin: germline.
Comment: This variant is classified as likely benign based on ACMG/AMP sequence variant interpretation guidelines (Richards et al. 2015 PMID: 25741868, with internal and published modifications).

NM_015559.3(SETBP1):c.1284G>A (p.Val428=)

Gene: SETBP1 (SET binding protein 1; plus strand). Cytogenetic location: 18q12.3.
Variant type: single nucleotide variant.
Coding change: c.1284G>A on transcript NM_015559.3 (MANE Select); coding-DNA position 1284, G replaced by A.
Protein change: p.Val428=; no amino-acid change (valine 428 retained).
Molecular consequence: synonymous variant.
Genome position (GRCh38, 1-based): chr18:44,950,624, G>A. VCF-style: chr18-44950624-G-A. GRCh37 (hg19) VCF-style: chr18-42530589-G-A.
Other names: c.1284G>A, p.Val428= (NM_001379141.1, NM_001379142.1, NM_001410862.1).
Identifiers: ClinVar variation 3032830 (VCV003032830.2), dbSNP rs2071322465, ClinGen allele CA503981747.
Genomic context (GRCh38, chr18:44,950,624, plus strand): 5'-ACCCTCTCTGGATCCAACCAACCATAAGAGGAAAAAAAGACAGTCCATTAAAGCGGTGGT[G>A]GAAAAGATCATGCCAGAGAAAGCCTTGGCTTCTGGAATCACCATGAGCAGTGAAGTAGTT-3'
Protein context (NP_056374.2, residues 418-438): RKKRQSIKAV[Val428=]EKIMPEKALA